The following is an entry in ClinVar:

NM_001457.4(FLNB):c.6833T>C (p.Val2278Ala)

Gene: FLNB (filamin B; plus strand). Cytogenetic location: 3p14.3.
Variant type: single nucleotide variant.
Coding change: c.6833T>C on transcript NM_001457.4 (MANE Select); coding-DNA position 6833, T replaced by C.
Protein change: p.Val2278Ala; replaces valine 2278 with alanine.
Molecular consequence: missense variant.
Genome position (GRCh38, 1-based): chr3:58,156,020, T>C. VCF-style: chr3-58156020-T-C. GRCh37 (hg19) VCF-style: chr3-58141747-T-C.
Other names: c.6926T>C, p.Val2309Ala (NM_001164317.2); c.6800T>C, p.Val2267Ala (NM_001164318.2); c.6761T>C, p.Val2254Ala (NM_001164319.2); short protein forms V2309A, V2254A, V2267A, V2278A.
Identifiers: ClinVar variation 2790943 (VCV002790943.3), dbSNP rs1233742187, ClinGen allele CA353362111.

ClinVar aggregate classification (germline): Uncertain significance (1 of 4 stars; one submission).

Allele frequency attached by ClinVar (database versions not stated): gnomAD exomes below 0.00001; TOPMed 0.00001.
gnomAD v4.1: 8 of 1,614,200 alleles (0.0005%); highest among the groups gnomAD compares: Non-Finnish European, 0.00059%; no homozygotes.

Submission:

Labcorp Genetics (formerly Invitae), Labcorp
Classification: Uncertain significance. Last evaluated: 2025-05-19. Review status: criteria provided, single submitter. Criteria: Invitae Variant Classification Sherloc (09022015). Collection method: clinical testing. Allele origin: germline.
Comment: This sequence change replaces valine, which is neutral and non-polar, with alanine, which is neutral and non-polar, at codon 2278 of the FLNB protein (p.Val2278Ala). This variant is present in population databases (no rsID available, gnomAD 0.0009%). This variant has not been reported in the literature in individuals affected with FLNB-related conditions. ClinVar contains an entry for this variant (Variation ID: 2790943). Invitae Evidence Modeling of protein sequence and biophysical properties (such as structural, functional, and spatial information, amino acid conservation, physicochemical variation, residue mobility, and thermodynamic stability) indicates that this missense variant is not expected to disrupt FLNB protein function with a negative predictive value of 80%. In summary, the available evidence is currently insufficient to determine the role of this variant in disease. Therefore, it has been classified as a Variant of Uncertain Significance.